The following is an entry in ClinVar:

ClinVar aggregate classification (germline): Pathogenic. Review status: reviewed by expert panel (3 of 4 stars). 6 submissions from 6 submitters: Pathogenic (1). 5 of the submissions do not count toward it. Last evaluated 2023-03-07.

Conditions:
Glycogen storage disease, type II (IOPD). Also called: CARDIOMEGALIA GLYCOGENICA DIFFUSA; GLYCOGENOSIS, GENERALIZED, CARDIAC FORM; GSD II; Pompe Disease; Glycogen storage disease type 2; Acid maltase deficiency disease. Identifiers: Orphanet 365, MedGen C0017921, MONDO:0009290, OMIM 232300.

Submissions (6):

ClinGen Lysosomal Storage Disorder Variant Curation Expert Panel
Classification: Pathogenic for Glycogen storage disease, type II. Last evaluated: 2023-03-07. Review status: reviewed by expert panel. Criteria: clingen_lsd_acmg_specifications_v2-1. Collection method: curation. Allele origin: germline. Inheritance: Autosomal recessive inheritance.
Comment: The NM_000152.5(GAA):c.343C>T (p.Gln115Ter) variant in GAA is a nonsense variant predicted to cause a premature stop codon in biologically-relevant-exon 2/20, leading to nonsense mediated decay in a gene in which loss-of-function is an established disease mechanism (PVS1). At least three individuals have been reported to have Pompe disease and this variant (PMIDs 17041744, 17616415, 32528171). GAA activity is reduced in the patients for whom it was reported (13-35% normal) but PP4 was not applied because the activity does not meet the strict thresholds specified by the ClinGen LD VCEP. ONe of these individuals is compound heterozygous for the variant and another variant in GAA that has been classified as pathogenic by the ClinGen LD VCEP, c.1076-1G>C, phase unknown (PMID: 17616415). Two additional reports describe a child who is compound heterozygous for the variant and p.Pro482Leu (PMID: 17041744, 17616415). The allelic data will be used in the classification of p.Pro482Leu and is not included here to avoid circular logic (PM3_Supporting). There is a ClinVar entry for this variant (Variation ID: 188996). In summary, this variant meets the criteria to be classified as pathogenic for Pompe disease. GAA-specific ACMG/AMP criteria applied, as specified by the ClinGen LD VCEP (specifications Version 2.0): PVS1, PM2_Supporting, PM3_Supporting.

Genomenon, Inc
Classification: Pathogenic for Glycogen storage disease, type II. Last evaluated: 2026-07-01. Review status: criteria provided, single submitter. Criteria: Genomenon Sequence Variant Interpretation Standards - Updated. Collection method: curation. Allele origin: germline. Affected: yes. Not counted in ClinVar's aggregate classification.
Comment: GAA p.Gln115Ter (c.343C>T) is a nonsense variant that introduces a premature stop codon at amino acid position 115 and is predicted to result in a truncated or absent protein product. This variant has been observed in at least one proband with a GAA-related disorder (PMID:17041744). At least one splicing study has demonstrated that this variant results in aberrant splicing (PMID:31301153). It is absent or not present at a significant frequency in gnomAD. In conclusion, we classify GAA p.Gln115Ter (c.343C>T) as a pathogenic variant.

Natera, Inc.
Classification: Pathogenic for Glycogen storage disease type II. Last evaluated: 2025-04-13. Review status: criteria provided, single submitter. Criteria: Natera Variant Classification Schema (03/2026). Collection method: clinical testing. Allele origin: germline. Not counted in ClinVar's aggregate classification.
Comment: The c.343C>T variant in GAA is a nonsense variant predicted to introduce a stop codon at amino acid 115. This variant is expected to result in nonsense mediated decay, truncation, or a dysfunctional protein product. This variant is rare in the general population with a frequency below the threshold expected for the associated phenotype(s). This variant has been observed in one or more individuals affected with the associated recessive disease, as either homozygous or compound heterozygous with a second variant (PMID: 17616415). Given the available evidence, this variant is classified as Pathogenic.

Baylor Genetics
Classification: Pathogenic for Glycogen storage disease, type II. Last evaluated: 2023-12-28. Review status: criteria provided, single submitter. Criteria: ACMG Guidelines, 2015. Collection method: clinical testing. Allele origin: unknown. Not counted in ClinVar's aggregate classification.

Broad Center for Mendelian Genomics, Broad Institute of MIT and Harvard
Classification: Pathogenic for Glycogen storage disease, type II. Last evaluated: 2023-01-25. Review status: criteria provided, single submitter. Criteria: ACMG Guidelines, 2015. Collection method: curation. Allele origin: germline. Inheritance: Autosomal recessive inheritance. Not counted in ClinVar's aggregate classification.
Comment: The p.Gln115Ter variant in GAA has been previously reported in at least two unrelated individuals with glycogen storage disease II (PMID: 17616415, PMID: 17041744). These two affected individuals were compound heterozygotes who carried pathogenic or likely pathogenic in trans (PMID: 17616415, PMID: 17041744, ClinVar Variation ID: 982297, 1353052), which increases the likelihood that the p.Gln115Ter variant in GAA is pathogenic. This variant has also been reported in ClinVar (Variation ID: 188996) and has been interpreted as likely pathogenic by Counsyl and the ClinGen Lysosomal Storage Disorder Variant Curation Expert Panel. This variant was absent from large population studies. This nonsense variant leads to a premature termination codon at position 115, which is predicted to lead to a truncated or absent protein. Loss of function of the GAA gene is an established disease mechanism in autosomal recessive glycogen storage disease II. In summary, this variant meets criteria to be classified as pathogenic for glycogen storage disease II. ACMG/AMP Criteria applied: PVS1, PM2_Supporting, PM3_Strong (Richards 2015).

Counsyl
Classification: Likely pathogenic for Glycogen storage disease, type II. Last evaluated: 2014-10-01. Review status: no assertion criteria provided. Collection method: literature only. Allele origin: unknown. Inheritance: Autosomal recessive inheritance. Not counted in ClinVar's aggregate classification.

Literature cited by the submitters: PubMed 17041744 (cited by Genomenon, Inc and Counsyl); PubMed 31301153 (cited by Genomenon, Inc); PubMed 17616415 (cited by Natera, Inc. and Counsyl); PubMed 8435067 (cited by Counsyl).

NM_000152.5(GAA):c.343C>T (p.Gln115Ter)

Gene: GAA (alpha glucosidase; plus strand). Cytogenetic location: 17q25.3.
Variant type: single nucleotide variant.
Coding change: c.343C>T on transcript NM_000152.5 (MANE Select); coding-DNA position 343, C replaced by T.
Protein change: p.Gln115Ter; replaces glutamine 115 with a stop codon.
Molecular consequence: nonsense.
Genome position (GRCh38, 1-based): chr17:80,104,929, C>T. VCF-style: chr17-80104929-C-T. GRCh37 (hg19) VCF-style: chr17-78078728-C-T.
Other names: c.343C>T (LRG_673t1, NM_000152.4); c.343C>T, p.Gln115Ter (NM_001079803.3, NM_001079804.3); short protein forms Q115*.
Identifiers: ClinVar variation 188996 (VCV000188996.12), dbSNP rs786204614, ClinGen allele CA274228.
Genomic context (GRCh38, chr17:80,104,929, plus strand): 5'-GACAAGGCCATCACCCAGGAACAGTGCGAGGCCCGCGGCTGTTGCTACATCCCTGCAAAG[C>T]AGGGGCTGCAGGGAGCCCAGATGGGGCAGCCCTGGTGCTTCTTCCCACCCAGCTACCCCA-3'